The following is an entry in ClinVar:

ClinVar aggregate classification (germline): Pathogenic/Likely pathogenic. Review status: criteria provided, multiple submitters, no conflicts (2 of 4 stars). 3 submissions from 3 submitters: Pathogenic (2); Likely pathogenic (1). Last evaluated 2024-01-01.

Conditions:
Hereditary cancer-predisposing syndrome. Also called: Hereditary neoplastic syndrome; Neoplastic Syndromes, Hereditary; Hereditary Cancer Syndrome; Tumor predisposition. Identifiers: Orphanet 140162, MedGen C0027672, MeSH D009386, MONDO:0015356.
Cardiovascular phenotype. Identifiers: MedGen CN230736.
Abnormality of the skin. Identifiers: MedGen C5848159, HP:0000951.

Submissions (3):

CeGaT Center for Human Genetics Tuebingen
Classification: Pathogenic. Last evaluated: 2024-01-01. Review status: criteria provided, single submitter. Criteria: CeGaT Center For Human Genetics Tuebingen Variant Classification Criteria Version 2. Collection method: clinical testing. Allele origin: germline. Affected: yes. Observed: 1 variant allele.
Comment: NF1: PVS1, PM2

Kariminejad - Najmabadi Pathology & Genetics Center
Classification: Pathogenic for Abnormality of the skin. Last evaluated: 2021-07-10. Review status: criteria provided, single submitter. Criteria: ACMG Guidelines, 2015. Collection method: clinical testing. Allele origin: de novo. Affected: yes.

Ambry Genetics
Classification: Likely pathogenic for Cardiovascular phenotype; Hereditary cancer-predisposing syndrome. Last evaluated: 2016-07-22. Review status: criteria provided, single submitter. Criteria: Ambry Variant Classification Scheme 2023. Collection method: clinical testing. Allele origin: germline.
Comment: The c.2002-2A>C intronic variant results from an A to C substitution two nucleotides upstream from coding exon 18 in the NF1 gene. The c.2002-2A>C variant was not reported in population based cohorts in the following databases: Database of Single Nucleotide Polymorphisms (dbSNP), NHLBI Exome Sequencing Project (ESP), and 1000 Genomes Project. In the ESP, this variant was not observed in 6503 samples (13006 alleles) with coverage at this position. To date, this alteration has been detected with an allele frequency of approximately 0.001% (greater than 175000 alleles tested) in our clinical cohort. This nucleotide position is highly conserved in available vertebrate species. Using the BDGP and ESEfinder splice site prediction tools, this alteration is predicted to abolish the native splice acceptor site; however, direct evidence is unavailable. Alterations that disrupt the canonical splice site are expected to cause aberrant splicing, resulting in an abnormal protein or a transcript that is subject to nonsense-mediated mRNA decay. As such, this alteration is classified as likely pathogenic.

NM_001042492.3(NF1):c.2002-2A>C

Gene: NF1 (neurofibromin 1; plus strand). Cytogenetic location: 17q11.2.
Variant type: single nucleotide variant.
Coding change: c.2002-2A>C on transcript NM_001042492.3 (MANE Select); the canonical splice acceptor site of the intron before coding-DNA position 2002, A replaced by C.
Molecular consequence: splice acceptor variant.
Genome position (GRCh38, 1-based): chr17:31,226,433, A>C. VCF-style: chr17-31226433-A-C. GRCh37 (hg19) VCF-style: chr17-29553451-A-C.
Other names: c.2002-2A>C (NM_000267.4).
Identifiers: ClinVar variation 485945 (VCV000485945.47), dbSNP rs1555613741, ClinGen allele CA398981981.